The following is an entry in ClinVar:

ClinVar aggregate classification (germline): Uncertain significance (1 of 4 stars; one submission).

Conditions:
Spermatogenic failure 45. Identifiers: MedGen C5436791, MONDO:0033671, OMIM 619094.

Allele frequency attached by ClinVar (database versions not stated): 1000 Genomes Project 30x 0.00016; 1000 Genomes Project 0.00020; ESP Exome Variant Server 0.00023; ExAC 0.00046.
gnomAD v4.1: 351 of 1,609,988 alleles (0.022%); highest among the groups gnomAD compares: South Asian, 0.26%; 4 homozygotes.

Submission:

3billion
Classification: Uncertain significance for Spermatogenic failure 45. Last evaluated: 2022-01-03. Review status: criteria provided, single submitter. Criteria: ACMG Guidelines, 2015. Collection method: clinical testing. Allele origin: germline. Affected: yes. Observed: 1 homozygote.
Comment: The variant observed at an extremely low frequency in the gnomAD v2.1.1 dataset (total allele frequency: 0.000394, PM2_M). In silico tool predictions suggest damaging effect of the variant on gene or gene product (REVEL: 0.646, PP3_P). Therefore, this variant is classified as uncertain significance according to the recommendation of ACMG/AMP guideline.

NM_020877.5(DNAH2):c.8263C>T (p.Arg2755Trp)

Gene: DNAH2 (dynein axonemal heavy chain 2; plus strand). Cytogenetic location: 17p13.1.
Variant type: single nucleotide variant.
Coding change: c.8263C>T on transcript NM_020877.5 (MANE Select); coding-DNA position 8263, C replaced by T.
Protein change: p.Arg2755Trp; replaces arginine 2755 with tryptophan.
Molecular consequence: missense variant.
Genome position (GRCh38, 1-based): chr17:7,798,189, C>T. VCF-style: chr17-7798189-C-T. GRCh37 (hg19) VCF-style: chr17-7701507-C-T.
Other names: short protein forms R2755W.
Identifiers: ClinVar variation 1333435 (VCV001333435.1), dbSNP rs143616651, ClinGen allele CA8358353.